The following is an entry in ClinVar:

NM_153717.3(EVC):c.673del (p.Asp225fs)

Gene: EVC (EvC ciliary complex subunit 1; plus strand). Cytogenetic location: 4p16.2.
Variant type: Deletion.
Coding change: c.673del on transcript NM_153717.3 (MANE Select); coding-DNA position 673, one base deleted (G; older notation c.673delG).
Protein change: p.Asp225fs; shifts the reading frame from aspartic acid 225.
Molecular consequence: frameshift variant.
Genome position (GRCh38, 1-based): chr4:5,733,406, G deleted; the last of 2 consecutive G bases (chr4:5,733,405-5,733,406); deleting either gives the same sequence. VCF-style (leftmost placement, unchanged base first): chr4-5733404-TG-T. GRCh37 (hg19) VCF-style: chr4-5735131-TG-T.
Other names: c.673del, p.Asp225fs (NM_001306090.2, NM_001306092.2); short protein forms D225fs.
Identifiers: ClinVar variation 1374481 (VCV001374481.7), dbSNP rs2151946081, ClinGen allele CA913107082.

ClinVar aggregate classification (germline): Pathogenic (1 of 4 stars; one submission).

Conditions:
Ellis-van Creveld syndrome (EVC). Also called: Chondroectodermal dysplasia; EVC-Related Ellis-van Creveld Syndrome; EVC2-Related Ellis-van Creveld Syndrome; MESOECTODERMAL DYSPLASIA. Identifiers: Orphanet 289, MedGen C0013903, MONDO:0009162, OMIM 225500.
Curry-Hall syndrome (WAD). Also called: WEYERS ACRODENTAL DYSOSTOSIS. Identifiers: Orphanet 952, MedGen C0457013, MONDO:0008673, OMIM 193530.

Submission:

Labcorp Genetics (formerly Invitae), Labcorp
Classification: Pathogenic for Curry-Hall syndrome; Ellis-van Creveld syndrome. Last evaluated: 2024-10-21. Review status: criteria provided, single submitter. Criteria: Invitae Variant Classification Sherloc (09022015). Collection method: clinical testing. Allele origin: germline.
Comment: This sequence change creates a premature translational stop signal (p.Asp225Thrfs*4) in the EVC gene. It is expected to result in an absent or disrupted protein product. Loss-of-function variants in EVC are known to be pathogenic (PMID: 23220543). This variant is not present in population databases (gnomAD no frequency). This variant has not been reported in the literature in individuals affected with EVC-related conditions. ClinVar contains an entry for this variant (Variation ID: 1374481). For these reasons, this variant has been classified as Pathogenic.

Literature cited by the submitters: PubMed 23220543.